The following is an entry in ClinVar:

ClinVar aggregate classification (germline): Uncertain significance. Review status: criteria provided, multiple submitters, no conflicts (2 of 4 stars). 3 submissions from 3 submitters: Uncertain significance (3). Last evaluated 2023-10-01.

Conditions:
Retinal dystrophy. Also called: Inherited retinal dystrophy. Identifiers: Orphanet 71862, MedGen C0854723, MeSH D058499, MONDO:0019118, HP:0000556.

Allele frequency attached by ClinVar (database versions not stated): TOPMed below 0.00001; gnomAD 0.00001; gnomAD exomes 0.00001 and 0.00003; ExAC 0.00004.
gnomAD v4.1: 21 of 1,593,082 alleles (0.0013%); highest among the groups gnomAD compares: East Asian, 0.02%; no homozygotes.

Submissions (3):

Dept Of Ophthalmology, Nagoya University
Classification: Uncertain significance for Retinal dystrophy. Last evaluated: 2023-10-01. Review status: criteria provided, single submitter. Criteria: Submitter's publication. Collection method: research. Allele origin: germline. Affected: yes.

Labcorp Genetics (formerly Invitae), Labcorp
Classification: Uncertain significance. Last evaluated: 2020-11-23. Review status: criteria provided, single submitter. Criteria: Invitae Variant Classification Sherloc (09022015). Collection method: clinical testing. Allele origin: germline.
Comment: This variant has not been reported in the literature in individuals with CYP4V2-related conditions. Advanced modeling of protein sequence and biophysical properties (such as structural, functional, and spatial information, amino acid conservation, physicochemical variation, residue mobility, and thermodynamic stability) performed at Invitae indicates that this missense variant is not expected to disrupt CYP4V2 protein function. In summary, the available evidence is currently insufficient to determine the role of this variant in disease. Therefore, it has been classified as a Variant of Uncertain Significance. This variant is present in population databases (rs755702568, ExAC 0.05%). This sequence change replaces serine with glycine at codon 28 of the CYP4V2 protein (p.Ser28Gly). The serine residue is weakly conserved and there is a small physicochemical difference between serine and glycine.

Blueprint Genetics
Classification: Uncertain significance. Last evaluated: 2020-05-05. Review status: criteria provided, single submitter. Criteria: ACMG Guidelines, 2015. Collection method: clinical testing. Allele origin: germline.

NM_207352.4(CYP4V2):c.82A>G (p.Ser28Gly)

Gene: CYP4V2 (cytochrome P450 family 4 subfamily V member 2; plus strand). Cytogenetic location: 4q35.1.
Variant type: single nucleotide variant.
Coding change: c.82A>G on transcript NM_207352.4 (MANE Select); coding-DNA position 82, A replaced by G.
Protein change: p.Ser28Gly; replaces serine 28 with glycine.
Molecular consequence: missense variant.
Genome position (GRCh38, 1-based): chr4:186,191,905, A>G. VCF-style: chr4-186191905-A-G. GRCh37 (hg19) VCF-style: chr4-187113059-A-G.
Other names: short protein forms S28G.
Identifiers: ClinVar variation 1419306 (VCV001419306.9), dbSNP rs755702568, ClinGen allele CA3162416.
Genomic context (GRCh38, chr4:186,191,905, plus strand): 5'-CTCGTGTGGCAGAAGCTGCTGCTGTGGGGCGCGGCGAGTGCCCTTTCCCTGGCCGGCGCC[A>G]GTCTGGTCCTGAGCCTGCTGCAGAGGGTGGCGAGCTACGCGCGGAAATGGCAGCAGATGC-3'
Protein context (NP_997235.3, residues 18-38): AASALSLAGA[Ser28Gly]LVLSLLQRVA